The following is an entry in ClinVar:

NM_004408.4(DNM1):c.2029G>C (p.Val677Leu)

Gene: DNM1 (dynamin 1; plus strand). Cytogenetic location: 9q34.11.
Variant type: single nucleotide variant.
Coding change: c.2029G>C on transcript NM_004408.4 (MANE Select); coding-DNA position 2029, G replaced by C.
Protein change: p.Val677Leu; replaces valine 677 with leucine.
Molecular consequence: missense variant.
Genome position (GRCh38, 1-based): chr9:128,248,706, G>C. VCF-style: chr9-128248706-G-C. GRCh37 (hg19) VCF-style: chr9-131010985-G-C.
Other names: c.2029G>C, p.Val677Leu (NM_001005336.3, NM_001288737.2, NM_001288738.2 and 2 more transcripts); short protein forms V677L.
Identifiers: ClinVar variation 2014355 (VCV002014355.4), dbSNP rs745806993, ClinGen allele CA375000459.

ClinVar aggregate classification (germline): Uncertain significance (1 of 4 stars; one submission).

Conditions:
Developmental and epileptic encephalopathy, 31A. Also called: Developmental and epileptic encephalopathy, 31; Epileptic encephalopathy, early infantile, 31. Identifiers: Orphanet 2382, MedGen C4225357, MONDO:0014598, OMIM 616346.

Submission:

Labcorp Genetics (formerly Invitae), Labcorp
Classification: Uncertain significance for Developmental and epileptic encephalopathy, 31A. Last evaluated: 2022-07-29. Review status: criteria provided, single submitter. Criteria: Invitae Variant Classification Sherloc (09022015). Collection method: clinical testing. Allele origin: germline.
Comment: In summary, the available evidence is currently insufficient to determine the role of this variant in disease. Therefore, it has been classified as a Variant of Uncertain Significance. This sequence change replaces valine, which is neutral and non-polar, with leucine, which is neutral and non-polar, at codon 677 of the DNM1 protein (p.Val677Leu). This variant is not present in population databases (gnomAD no frequency). This variant has not been reported in the literature in individuals affected with DNM1-related conditions. Advanced modeling of protein sequence and biophysical properties (such as structural, functional, and spatial information, amino acid conservation, physicochemical variation, residue mobility, and thermodynamic stability) performed at Invitae indicates that this missense variant is not expected to disrupt DNM1 protein function.